The following is an entry in ClinVar:

ClinVar aggregate classification (germline): Uncertain significance (1 of 4 stars; one submission).

Conditions:
Koolen-de Vries syndrome (KDVS). Identifiers: Orphanet 96169, MedGen C1864871, MONDO:0012496, OMIM 610443.

Submission:

Labcorp Genetics (formerly Invitae), Labcorp
Classification: Uncertain significance for Koolen-de Vries syndrome. Last evaluated: 2021-10-22. Review status: criteria provided, single submitter. Criteria: Invitae Variant Classification Sherloc (09022015). Collection method: clinical testing. Allele origin: germline.
Comment: This variant is not present in population databases (ExAC no frequency). This sequence change replaces aspartic acid with glutamic acid at codon 662 of the KANSL1 protein (p.Asp662Glu). The aspartic acid residue is highly conserved and there is a small physicochemical difference between aspartic acid and glutamic acid. Algorithms developed to predict the effect of missense changes on protein structure and function (SIFT, PolyPhen-2, Align-GVGD) all suggest that this variant is likely to be disruptive. This variant has not been reported in the literature in individuals affected with KANSL1-related conditions. In summary, the available evidence is currently insufficient to determine the role of this variant in disease. Therefore, it has been classified as a Variant of Uncertain Significance.

NM_015443.4(KANSL1):c.1986C>G (p.Asp662Glu)

Gene: KANSL1 (KAT8 regulatory NSL complex subunit 1). Cytogenetic location: 17q21.31.
Variant type: single nucleotide variant.
Coding change: c.1986C>G on transcript NM_015443.4 (MANE Select); coding-DNA position 1986, C replaced by G.
Protein change: p.Asp662Glu; replaces aspartic acid 662 with glutamic acid.
Molecular consequence: missense variant.
Genome position (GRCh38, 1-based): chr17:46,050,567, G>C on the plus strand (C>G on the coding strand, the complement: KANSL1 is on the minus strand). VCF-style: chr17-46050567-G-C. GRCh37 (hg19) VCF-style: chr17-44127933-G-C.
Other names: c.1986C>G, p.Asp662Glu (NM_001193465.2, NM_001193466.2, NM_001379198.1); short protein forms D662E.
Identifiers: ClinVar variation 1483742 (VCV001483742.6), dbSNP rs2146484644, ClinGen allele CA399983910.